The following continues an entry in ClinVar:

NM_000350.3(ABCA4):c.71G>A (p.Arg24His)

Gene: ABCA4. ClinVar aggregate classification (germline): Pathogenic/Likely pathogenic. Pathogenic (8); Likely pathogenic (6).

Submissions 12 to 16 of 16:

Illumina Laboratory Services, Illumina
Classification: Likely pathogenic for ABCA4-Related Disorders. Last evaluated: 2017-07-31. Review status: criteria provided, single submitter. Criteria: ICSL Variant Classification Criteria 09 May 2019. Collection method: clinical testing. Allele origin: germline.
Comment: Across a selection of literature, the ABCA4 c.71G>A (p.Arg24His) missense variant has been reported in a compound heterozygous state in five individuals with Stargardt disease (STGD) as well as in a heterozygous state in one individual (also with STGD) where a second variant was not identified (Lewis et al., 1999; Fujinami et al., 2013; ChacÃ³n-Camacho et al., 2013). Four of the compound heterozygous individuals belong to the same family and demonstrated segregation of the disease phenotype with the p.Arg24His variant. The p.Arg24His variant was absent from 440 control chromosomes and is reported at a frequency of 0.002091 in the East Asian population of the Exome Aggregation Consortium. Based on the evidence, the p.Arg24His variant is classified as likely pathogenic for ABCA4-related disorders. This variant was observed by ICSL as part of a predisposition screen in an ostensibly healthy population.

Institute of Human Genetics, Univ. Regensburg, Univ. Regensburg
Classification: Likely pathogenic for Retinal dystrophy. Last evaluated: 2016-01-01. Review status: criteria provided, single submitter. Criteria: ACMG Guidelines, 2015. Collection method: clinical testing. Allele origin: germline. Affected: yes.

Juno Genomics, Hangzhou Juno Genomics, Inc
Classification: Pathogenic for Age related macular degeneration 2; Cone-rod dystrophy 3; Severe early-childhood-onset retinal dystrophy; Retinitis pigmentosa 19. Review status: criteria provided, single submitter. Criteria: ACMG Guidelines, 2015. Collection method: clinical testing. Allele origin: germline.
Comment: Absent from controls (or at extremely low frequency if recessive) in Genome Aggregation Database.;Multiple lines of computational evidence support a deleterious effect on the gene or gene product.;For recessive disorders, detected in trans with a pathogenic variant.;Co-segregation with disease in multiple affected family members.;Patient's phenotype or family history is highly specific for a disease with a single genetic etiology.

Clinical Genetics DNA and cytogenetics Diagnostics Lab, Erasmus MC, Erasmus Medical Center
Classification: Likely pathogenic. Review status: no assertion criteria provided. Collection method: clinical testing. Allele origin: germline. Affected: yes. Study: VKGL Data-share Consensus. Not counted in ClinVar's aggregate classification.

Retina International
No classification provided. Review status: no classification provided. Collection method: not provided. Allele origin: not provided. Not counted in ClinVar's aggregate classification.

Literature cited by the submitters: PubMed 9973280 (cited by 5 submitters); PubMed 33301772 (cited by Women's Health and Genetics/Laboratory Corporation of America, LabCorp and Institute of Human Genetics, Univ. Regensburg, Univ. Regensburg); PubMed 40244202 (cited by Women's Health and Genetics/Laboratory Corporation of America, LabCorp); PubMed 27820952 (cited by Labcorp Genetics (formerly Invitae), Labcorp); PubMed 31015497 (cited by Labcorp Genetics (formerly Invitae), Labcorp); PubMed 15494742 (cited by Labcorp Genetics (formerly Invitae), Labcorp and 3billion); PubMed 28559085 (cited by Labcorp Genetics (formerly Invitae), Labcorp); PubMed 29162642 (cited by Labcorp Genetics (formerly Invitae), Labcorp); PubMed 30093795 (cited by Labcorp Genetics (formerly Invitae), Labcorp); PubMed 23419329 (cited by Illumina Laboratory Services, Illumina); PubMed 23953153 (cited by Illumina Laboratory Services, Illumina); PubMed 31180159 (cited by Institute of Human Genetics, Univ. Regensburg, Univ. Regensburg); PubMed 31429209 (cited by Institute of Human Genetics, Univ. Regensburg, Univ. Regensburg); PubMed 31980526 (cited by Institute of Human Genetics, Univ. Regensburg, Univ. Regensburg); PubMed 32307445 (cited by Institute of Human Genetics, Univ. Regensburg, Univ. Regensburg); PubMed 33261146 (cited by Institute of Human Genetics, Univ. Regensburg, Univ. Regensburg); PubMed 34426522 (cited by Institute of Human Genetics, Univ. Regensburg, Univ. Regensburg); PubMed 36672815 (cited by Institute of Human Genetics, Univ. Regensburg, Univ. Regensburg).